The following is an entry in ClinVar:

NM_000391.4(TPP1):c.1551+5G>A

Gene: TPP1 (tripeptidyl peptidase 1; minus strand). Cytogenetic location: 11p15.4.
Variant type: single nucleotide variant.
Coding change: c.1551+5G>A on transcript NM_000391.4 (MANE Select); 5 bases into the intron after coding-DNA position 1551, G replaced by A.
Molecular consequence: intron variant.
Genome position (GRCh38, 1-based): chr11:6,614,861, C>T on the plus strand (G>A on the coding strand, the complement: TPP1 is on the minus strand). VCF-style: chr11-6614861-C-T. GRCh37 (hg19) VCF-style: chr11-6636092-C-T.
Identifiers: ClinVar variation 452679 (VCV000452679.7), dbSNP rs778756815, ClinGen allele CA5858620.

ClinVar aggregate classification (germline): Conflicting classifications of pathogenicity. Review status: criteria provided, conflicting classifications (1 of 4 stars). 4 submissions from 4 submitters: Likely pathogenic (1); Uncertain significance (2). 1 of the submissions does not count toward it. Last evaluated 2026-08-27.

Conditions:
Inborn genetic diseases. Identifiers: MedGen C0950123, MeSH D030342.
Neuronal ceroid lipofuscinosis 2. Also called: JANSKY-BIELSCHOWSKY DISEASE NEURONAL CEROID LIPOFUSCINOSIS, LATE INFANTILE; TPP1-Related Neuronal Ceroid-Lipofuscinosis. Identifiers: Orphanet 168491, Orphanet 228349, Orphanet 79264, MedGen C1876161, MONDO:0008769, OMIM 204500.

Allele frequency attached by ClinVar (database versions not stated): ExAC 0.00001; TOPMed 0.00001; gnomAD exomes below 0.00001; gnomAD 0.00003.

Submissions (4):

Myriad Genetics, Inc.
Classification: Uncertain significance for Neuronal ceroid lipofuscinosis 2. Last evaluated: 2026-08-27. Review status: criteria provided, single submitter. Criteria: Myriad Autosomal Dominant, Autosomal Recessive and X-Linked Classification Criteria (2023). Collection method: clinical testing. Allele origin: unknown.
Comment: NM_000391.3(TPP1):c.1551+5G>A is an intronic variant classified as a variant of uncertain significance in the context of TPP1-related neuronal ceroid lipofuscinosis. c.1551+5G>A has not been observed in cases with relevant disease. Relevant functional assessments of this variant are not available in the literature. c.1551+5G>A has been observed in referenced population frequency databases. In summary, there is insufficient evidence to classify NM_000391.3(TPP1):c.1551+5G>A as pathogenic or benign. Please note: this variant was assessed in the context of healthy population screening.

GeneDx
Classification: Likely pathogenic. Last evaluated: 2025-08-27. Review status: criteria provided, single submitter. Criteria: GeneDx Variant Classification Process June 2021. Collection method: clinical testing. Allele origin: germline. Affected: yes.
Comment: Not observed at significant frequency in large population cohorts (gnomAD); Intronic +5 splice site variant in a gene for which loss of function is a known mechanism of disease, and both splice predictors and evolutionary conservation support a deleterious effect, although in the absence of functional evidence the actual effect of this sequence change is unknown.; Has not been previously published as pathogenic or benign to our knowledge

Ambry Genetics
Classification: Uncertain significance for Inborn genetic diseases. Last evaluated: 2018-11-16. Review status: criteria provided, single submitter. Criteria: Ambry Variant Classification Scheme 2023. Collection method: clinical testing. Allele origin: germline.
Comment: The c.1551+5G>A intronic variant results from a G to A substitution 5 nucleotides after coding exon 12 in the TPP1 gene. This nucleotide position is highly conserved in available vertebrate species. Using the BDGP and ESEfinder splice site prediction tools, this alteration is predicted to weaken the efficiency of the native splice donor site; however, direct evidence is unavailable. Since supporting evidence is limited at this time, the clinical significance of this alteration remains unclear.

Natera, Inc.
Classification: Uncertain significance for Neuronal ceroid lipofuscinosis 2. Last evaluated: 2021-03-12. Review status: no assertion criteria provided. Collection method: clinical testing. Allele origin: germline. Not counted in ClinVar's aggregate classification.